The following is an entry in ClinVar:

NM_015466.4(PTPN23):c.1004-4_1004-3delinsAA

Gene: PTPN23 (protein tyrosine phosphatase non-receptor type 23; plus strand). Cytogenetic location: 3p21.31.
Variant type: Indel.
Coding change: c.1004-4_1004-3delinsAA on transcript NM_015466.4 (MANE Select); 4 bases into the intron before coding-DNA position 1004 through 3 bases into the intron before coding-DNA position 1004, CC replaced by AA.
Molecular consequence: intron variant.
Genome position (GRCh38, 1-based): chr3:47,407,693-47,407,694, CC replaced by AA. VCF-style: chr3-47407693-CC-AA. GRCh37 (hg19) VCF-style: chr3-47449183-CC-AA.
Other names: c.626-4_626-3delinsAA (NM_001304482.2).
Identifiers: ClinVar variation 2132109 (VCV002132109.4), dbSNP rs2546242960, ClinGen allele CA2580069900.

ClinVar aggregate classification (germline): Uncertain significance (1 of 4 stars; one submission).

Submission:

Labcorp Genetics (formerly Invitae), Labcorp
Classification: Uncertain significance. Last evaluated: 2022-04-30. Review status: criteria provided, single submitter. Criteria: Invitae Variant Classification Sherloc (09022015). Collection method: clinical testing. Allele origin: germline.
Comment: In summary, the available evidence is currently insufficient to determine the role of this variant in disease. Therefore, it has been classified as a Variant of Uncertain Significance. Variants that disrupt the consensus splice site are a relatively common cause of aberrant splicing (PMID: 17576681, 9536098). Experimental studies and prediction algorithms are not available or were not evaluated, and the effect of this variant on mRNA splicing is currently unknown. This variant has not been reported in the literature in individuals affected with PTPN23-related conditions. Information on the frequency of this variant in the gnomAD database is not available, as this variant may be reported differently in the database. This sequence change falls in intron 12 of the PTPN23 gene. It does not directly change the encoded amino acid sequence of the PTPN23 protein. It affects a nucleotide within the consensus splice site.

Literature cited by the submitters: PubMed 17576681; PubMed 9536098.